The following is an entry in ClinVar:

ClinVar aggregate classification (germline): Uncertain significance. Review status: criteria provided, multiple submitters, no conflicts (2 of 4 stars). 4 submissions from 4 submitters: Uncertain significance (4). Last evaluated 2026-09-01.

Conditions:
Autosomal recessive distal spinal muscular atrophy 1. Also called: SEVERE INFANTILE AXONAL NEUROPATHY WITH RESPIRATORY FAILURE; SPINAL MUSCULAR ATROPHY, DIAPHRAGMATIC; Spinal muscular atrophy with respiratory distress 1; NEURONOPATHY, DISTAL HEREDITARY MOTOR, HARDING TYPE VI; NEUROPATHY, DISTAL HEREDITARY MOTOR, AUTOSOMAL RECESSIVE 1; HMN VI. Identifiers: Orphanet 98920, MedGen C1858517, MONDO:0011436, OMIM 604320.
Charcot-Marie-Tooth disease axonal type 2S. Also called: CHARCOT-MARIE-TOOTH NEUROPATHY, TYPE 2S; CHARCOT-MARIE-TOOTH DISEASE, AXONAL, AUTOSOMAL RECESSIVE, TYPE 2S. Identifiers: Orphanet 443073, MedGen C4015349, MONDO:0014511, OMIM 616155.

Allele frequency attached by ClinVar (database versions not stated): gnomAD exomes 0.00001 and 0.00002; TOPMed 0.00001; gnomAD 0.00002; ExAC 0.00003; ESP Exome Variant Server 0.00008.

Submissions (4):

CeGaT Center for Human Genetics Tuebingen
Classification: Uncertain significance. Last evaluated: 2026-09-01. Review status: criteria provided, single submitter. Criteria: CeGaT Center For Human Genetics Tuebingen Variant Classification Criteria Version 2. Collection method: clinical testing. Allele origin: germline. Affected: yes. Observed: 1 variant allele.
Comment: IGHMBP2: PM2

Labcorp Genetics (formerly Invitae), Labcorp
Classification: Uncertain significance for Autosomal recessive distal spinal muscular atrophy 1; Charcot-Marie-Tooth disease axonal type 2S. Last evaluated: 2024-03-28. Review status: criteria provided, single submitter. Criteria: Invitae Variant Classification Sherloc (09022015). Collection method: clinical testing. Allele origin: germline.
Comment: This sequence change replaces threonine, which is neutral and polar, with methionine, which is neutral and non-polar, at codon 439 of the IGHMBP2 protein (p.Thr439Met). This variant is present in population databases (rs373649545, gnomAD 0.01%). This variant has not been reported in the literature in individuals affected with IGHMBP2-related conditions. ClinVar contains an entry for this variant (Variation ID: 951107). Advanced modeling of protein sequence and biophysical properties (such as structural, functional, and spatial information, amino acid conservation, physicochemical variation, residue mobility, and thermodynamic stability) has been performed at Invitae for this missense variant, however the output from this modeling did not meet the statistical confidence thresholds required to predict the impact of this variant on IGHMBP2 protein function. In summary, the available evidence is currently insufficient to determine the role of this variant in disease. Therefore, it has been classified as a Variant of Uncertain Significance.

Mayo Clinic Laboratories, Mayo Clinic
Classification: Uncertain significance. Last evaluated: 2020-11-27. Review status: criteria provided, single submitter. Criteria: ACMG Guidelines, 2015. Collection method: clinical testing. Allele origin: germline. Observed: 1 variant allele.

Revvity Omics, Revvity
Classification: Uncertain significance. Last evaluated: 2019-05-30. Review status: criteria provided, single submitter. Criteria: ACMG Guidelines, 2015. Collection method: clinical testing. Allele origin: germline.

NM_002180.3(IGHMBP2):c.1316C>T (p.Thr439Met)

Gene: IGHMBP2 (immunoglobulin mu DNA binding protein 2; plus strand). Cytogenetic location: 11q13.3.
Variant type: single nucleotide variant.
Coding change: c.1316C>T on transcript NM_002180.3 (MANE Select); coding-DNA position 1316, C replaced by T.
Protein change: p.Thr439Met; replaces threonine 439 with methionine.
Molecular consequence: missense variant.
Genome position (GRCh38, 1-based): chr11:68,933,379, C>T. VCF-style: chr11-68933379-C-T. GRCh37 (hg19) VCF-style: chr11-68700847-C-T.
Other names: short protein forms T439M.
Identifiers: ClinVar variation 951107 (VCV000951107.17), dbSNP rs373649545, ClinGen allele CA6153602.